The following is an entry in ClinVar:

ClinVar aggregate classification (germline): Conflicting classifications of pathogenicity. Review status: criteria provided, conflicting classifications (1 of 4 stars). 3 submissions from 3 submitters: Uncertain significance (2); Likely benign (1). Last evaluated 2025-07-15.

Conditions:
Hereditary cancer-predisposing syndrome. Also called: Neoplastic Syndromes, Hereditary; Hereditary Cancer Syndrome; Tumor predisposition; Hereditary neoplastic syndrome. Identifiers: Orphanet 140162, MedGen C0027672, MeSH D009386, MONDO:0015356.
Hereditary breast ovarian cancer syndrome. Also called: Hereditary breast and ovarian cancer syndrome; Hereditary breast and ovarian cancer syndrome (HBOC); Hereditary breast and/or ovarian cancer syndrome; Hereditary breast and ovarian cancer; Breast and ovarian cancer; BRCA1- and BRCA2-Associated Hereditary Breast and Ovarian Cancer. Identifiers: Orphanet 145, MedGen C0677776, MeSH D061325, MONDO:0003582. Disease mechanism: loss of function.

Submissions (3):

Color Diagnostics, LLC DBA Color Health
Classification: Uncertain significance for Hereditary cancer-predisposing syndrome. Last evaluated: 2025-07-15. Review status: criteria provided, single submitter. Criteria: ACMG Guidelines, 2015. Collection method: clinical testing. Allele origin: germline.
Comment: This missense variant replaces methionine with isoleucine at codon 1594 of the BRCA2 protein. Computational prediction tools indicate that this variant may not impact the protein function. This variant has been reported in an individual affected with breast and/or ovarian cancer (PMID: 28435519). This variant has not been identified in the general population by the Genome Aggregation Database (gnomAD). Available evidence is insufficient to determine the role of this variant in disease conclusively. Therefore, this variant is classified as a Variant of Uncertain Significance.

University of Washington Department of Laboratory Medicine, University of Washington
Classification: Likely benign for Hereditary cancer-predisposing syndrome. Last evaluated: 2023-03-23. Review status: criteria provided, single submitter. Criteria: Dines et al. (Genet Med. 2020). Collection method: curation. Allele origin: germline.
Comment: Missense variant in a coldspot region where missense variants are very unlikely to be pathogenic (PMID:31911673).

BRCA2 exon 11 coldspot. Reclassification based on statistical prior probability.

Labcorp Genetics (formerly Invitae), Labcorp
Classification: Uncertain significance for Hereditary breast ovarian cancer syndrome. Last evaluated: 2022-08-22. Review status: criteria provided, single submitter. Criteria: Invitae Variant Classification Sherloc (09022015). Collection method: clinical testing. Allele origin: germline.
Comment: This sequence change replaces methionine, which is neutral and non-polar, with isoleucine, which is neutral and non-polar, at codon 1594 of the BRCA2 protein (p.Met1594Ile). This variant is not present in population databases (gnomAD no frequency). This variant has not been reported in the literature in individuals affected with BRCA2-related conditions. ClinVar contains an entry for this variant (Variation ID: 927218). Advanced modeling of protein sequence and biophysical properties (such as structural, functional, and spatial information, amino acid conservation, physicochemical variation, residue mobility, and thermodynamic stability) performed at Invitae indicates that this missense variant is not expected to disrupt BRCA2 protein function. In summary, the available evidence is currently insufficient to determine the role of this variant in disease. Therefore, it has been classified as a Variant of Uncertain Significance.

Literature cited by the submitters: PubMed 28435519 (cited by Color Diagnostics, LLC DBA Color Health).

NM_000059.4(BRCA2):c.4782G>A (p.Met1594Ile)

Gene: BRCA2 (BRCA2 DNA repair associated; plus strand). Cytogenetic location: 13q13.1.
Variant type: single nucleotide variant.
Coding change: c.4782G>A on transcript NM_000059.4 (MANE Select); coding-DNA position 4782, G replaced by A.
Protein change: p.Met1594Ile; replaces methionine 1594 with isoleucine.
Molecular consequence: missense variant.
Genome position (GRCh38, 1-based): chr13:32,339,137, G>A. VCF-style: chr13-32339137-G-A. GRCh37 (hg19) VCF-style: chr13-32913274-G-A.
Other names: short protein forms M1594I.
Identifiers: ClinVar variation 927218 (VCV000927218.8), dbSNP rs876658930, ClinGen allele CA387783210.